The following is an entry in ClinVar:

ClinVar aggregate classification (germline): Uncertain significance. Review status: criteria provided, multiple submitters, no conflicts (2 of 4 stars). 2 submissions from 2 submitters: Uncertain significance (2). Last evaluated 2025-06-15.

Conditions:
POLD1-related polyposis and colorectal cancer syndrome (CRCS10). Also called: Colorectal cancer, susceptibility to, 10; Colorectal cancer 10; COLORECTAL CANCER, SUSCEPTIBILITY TO, ON CHROMOSOME 19q. Identifiers: Orphanet 220460, MedGen C2675481, MONDO:0012953, OMIM 612591.
Hereditary cancer-predisposing syndrome. Also called: Tumor predisposition; Hereditary Cancer Syndrome; Hereditary neoplastic syndrome; Neoplastic Syndromes, Hereditary. Identifiers: Orphanet 140162, MedGen C0027672, MeSH D009386, MONDO:0015356.

Submissions (2):

Ambry Genetics
Classification: Uncertain significance for Hereditary cancer-predisposing syndrome. Last evaluated: 2025-06-15. Review status: criteria provided, single submitter. Criteria: Ambry Variant Classification Scheme 2023. Collection method: clinical testing. Allele origin: germline.
Comment: The p.N400K variant (also known as c.1200C>G), located in coding exon 9 of the POLD1 gene, results from a C to G substitution at nucleotide position 1200. The asparagine at codon 400 is replaced by lysine, an amino acid with similar properties. This amino acid position is conserved. In addition, this alteration is predicted to be tolerated by in silico analysis. Based on the available evidence, the clinical significance of this variant remains unclear.

Labcorp Genetics (formerly Invitae), Labcorp
Classification: Uncertain significance for POLD1-related polyposis and colorectal cancer syndrome. Last evaluated: 2021-04-12. Review status: criteria provided, single submitter. Criteria: Invitae Variant Classification Sherloc (09022015). Collection method: clinical testing. Allele origin: germline.
Comment: In summary, the available evidence is currently insufficient to determine the role of this variant in disease. Therefore, it has been classified as a Variant of Uncertain Significance. Algorithms developed to predict the effect of missense changes on protein structure and function are either unavailable or do not agree on the potential impact of this missense change (SIFT: "Deleterious"; PolyPhen-2: "Probably Damaging"; Align-GVGD: "Class C0"). This variant has not been reported in the literature in individuals with POLD1-related conditions. This variant is not present in population databases (ExAC no frequency). This sequence change replaces asparagine with lysine at codon 400 of the POLD1 protein (p.Asn400Lys). The asparagine residue is highly conserved and there is a moderate physicochemical difference between asparagine and lysine.

NM_002691.4(POLD1):c.1200C>G (p.Asn400Lys)

Gene: POLD1 (DNA polymerase delta 1, catalytic subunit; plus strand). Cytogenetic location: 19q13.33.
Variant type: single nucleotide variant.
Coding change: c.1200C>G on transcript NM_002691.4 (MANE Select); coding-DNA position 1200, C replaced by G.
Protein change: p.Asn400Lys; replaces asparagine 400 with lysine.
Molecular consequence: missense variant. On other transcripts: non-coding transcript variant (1).
Genome position (GRCh38, 1-based): chr19:50,403,555, C>G. VCF-style: chr19-50403555-C-G. GRCh37 (hg19) VCF-style: chr19-50906812-C-G.
Other names: c.1200C>G, p.Asn400Lys (NM_001256849.1, NM_001308632.1); c.1200C>G (NM_002691.2); short protein forms N400K.
Identifiers: ClinVar variation 1387101 (VCV001387101.9), dbSNP rs541753103, ClinGen allele CA406978561.